The following is an entry in ClinVar:

ClinVar aggregate classification (germline): Uncertain significance (1 of 4 stars; one submission).

Conditions:
Inborn genetic diseases. Identifiers: MedGen C0950123, MeSH D030342.

Allele frequency attached by ClinVar (database versions not stated): gnomAD exomes below 0.00001; ExAC 0.00001.
gnomAD v4.1: 1 of 1,611,810 alleles (0.000062%); highest among the groups gnomAD compares: African/African-American, 0.0013%; no homozygotes.

Submission:

Ambry Genetics
Classification: Uncertain significance for Inborn genetic diseases. Last evaluated: 2024-03-24. Review status: criteria provided, single submitter. Criteria: Ambry Variant Classification Scheme 2023. Collection method: clinical testing. Allele origin: germline.
Comment: The p.E2400G variant (also known as c.7199A>G), located in coding exon 49 of the LRRK2 gene, results from an A to G substitution at nucleotide position 7199. The glutamic acid at codon 2400 is replaced by glycine, an amino acid with similar properties. This amino acid position is conserved. In addition, this alteration is predicted to be tolerated by in silico analysis. Since supporting evidence is limited at this time, the clinical significance of this alteration remains unclear.

NM_198578.4(LRRK2):c.7199A>G (p.Glu2400Gly)

Gene: LRRK2 (leucine rich repeat kinase 2; plus strand). Cytogenetic location: 12q12.
Variant type: single nucleotide variant.
Coding change: c.7199A>G on transcript NM_198578.4 (MANE Select); coding-DNA position 7199, A replaced by G.
Protein change: p.Glu2400Gly; replaces glutamic acid 2400 with glycine.
Molecular consequence: missense variant.
Genome position (GRCh38, 1-based): chr12:40,364,859, A>G. VCF-style: chr12-40364859-A-G. GRCh37 (hg19) VCF-style: chr12-40758661-A-G.
Other names: short protein forms E2400G.
Identifiers: ClinVar variation 1757609 (VCV001757609.2), dbSNP rs762725778, ClinGen allele CA6514882.